The following is an entry in ClinVar:

NM_000498.3(CYP11B2):c.892G>T (p.Glu298Ter)

Genes: CYP11B2 (cytochrome P450 family 11 subfamily B member 2; minus strand), LOC106799834 (CYP11B2 recombination region; plus strand). Cytogenetic location: 8q24.3.
Variant type: single nucleotide variant.
Coding change: c.892G>T on transcript NM_000498.3 (MANE Select); coding-DNA position 892, G replaced by T.
Protein change: p.Glu298Ter; replaces glutamic acid 298 with a stop codon.
Molecular consequence: nonsense.
Genome position (GRCh38, 1-based): chr8:142,914,326, C>A on the plus strand (G>T on the coding strand, the complement: CYP11B2 is on the minus strand). VCF-style: chr8-142914326-C-A. GRCh37 (hg19) VCF-style: chr8-143995742-C-A.
Other names: short protein forms E298*.
Identifiers: ClinVar variation 1458193 (VCV001458193.6), dbSNP rs2130328775, ClinGen allele CA372388608.

ClinVar aggregate classification (germline): Pathogenic (1 of 4 stars; one submission).

Submission:

Labcorp Genetics (formerly Invitae), Labcorp
Classification: Pathogenic. Last evaluated: 2020-11-14. Review status: criteria provided, single submitter. Criteria: Invitae Variant Classification Sherloc (09022015). Collection method: clinical testing. Allele origin: germline.
Comment: This sequence change creates a premature translational stop signal (p.Glu298*) in the CYP11B2 gene. It is expected to result in an absent or disrupted protein product. Loss-of-function variants in CYP11B2 are known to be pathogenic (PMID: 20494601, 22801770, 26936515). This variant is not present in population databases (ExAC no frequency). This variant has not been reported in the literature in individuals with CYP11B2-related conditions. Algorithms developed to predict the effect of sequence changes on RNA splicing suggest that this variant may create or strengthen a splice site, but this prediction has not been confirmed by published transcriptional studies. For these reasons, this variant has been classified as Pathogenic.

Literature cited by the submitters: PubMed 20494601; PubMed 22801770; PubMed 26936515.